The following is an entry in ClinVar:

ClinVar aggregate classification (germline): Uncertain significance (1 of 4 stars; one submission).

Conditions:
Cardiovascular phenotype. Identifiers: MedGen CN230736.

gnomAD v4.1: 1 of 1,607,700 alleles (0.000062%); highest among the groups gnomAD compares: Non-Finnish European, 0.000085%; no homozygotes.

Submission:

Ambry Genetics
Classification: Uncertain significance for Cardiovascular phenotype. Last evaluated: 2026-06-15. Review status: criteria provided, single submitter. Criteria: Ambry Variant Classification Scheme 2023. Collection method: clinical testing. Allele origin: germline.
Comment: The p.N631D variant (also known as c.1891A>G), located in coding exon 15 of the JAG1 gene, results from an A to G substitution at nucleotide position 1891. The asparagine at codon 631 is replaced by aspartic acid, an amino acid with highly similar properties. This amino acid position is conserved. In addition, this alteration is predicted to be tolerated by in silico analysis. Based on the available evidence, the clinical significance of this variant remains unclear.

NM_000214.3(JAG1):c.1891A>G (p.Asn631Asp)

Gene: JAG1 (jagged canonical Notch ligand 1; minus strand). Cytogenetic location: 20p12.2.
Variant type: single nucleotide variant.
Coding change: c.1891A>G on transcript NM_000214.3 (MANE Select); coding-DNA position 1891, A replaced by G.
Protein change: p.Asn631Asp; replaces asparagine 631 with aspartic acid.
Molecular consequence: missense variant.
Genome position (GRCh38, 1-based): chr20:10,646,079, T>C on the plus strand (A>G on the coding strand, the complement: JAG1 is on the minus strand). VCF-style: chr20-10646079-T-C. GRCh37 (hg19) VCF-style: chr20-10626727-T-C.
Other names: short protein forms N631D.
Identifiers: ClinVar variation 5022872 (VCV005022872.1).